The following is an entry in ClinVar:

ClinVar aggregate classification (germline): Likely benign. Review status: criteria provided, multiple submitters, no conflicts (2 of 4 stars). 5 submissions from 5 submitters: Likely benign (5). Last evaluated 2025-11-01.

Conditions:
Inborn genetic diseases. Identifiers: MedGen C0950123, MeSH D030342.

Allele frequency attached by ClinVar (database versions not stated): ExAC 0.00007; gnomAD exomes 0.00009 and 0.00010; gnomAD 0.00010; TOPMed 0.00012.
gnomAD v4.1: 137 of 1,613,810 alleles (0.0085%); highest among the groups gnomAD compares: Admixed American, 0.023%; no homozygotes.

Submissions (5):

CeGaT Center for Human Genetics Tuebingen
Classification: Likely benign. Last evaluated: 2025-11-01. Review status: criteria provided, single submitter. Criteria: CeGaT Center For Human Genetics Tuebingen Variant Classification Criteria Version 2. Collection method: clinical testing. Allele origin: germline. Affected: yes. Observed: 1 variant allele.
Comment: CHD8: BP4

Blueprint Genetics
Classification: Likely benign. Last evaluated: 2024-11-25. Review status: criteria provided, single submitter. Criteria: ACMG Guidelines, 2015. Collection method: clinical testing. Allele origin: germline.

Labcorp Genetics (formerly Invitae), Labcorp
Classification: Likely benign. Last evaluated: 2024-10-23. Review status: criteria provided, single submitter. Criteria: Invitae Variant Classification Sherloc (09022015). Collection method: clinical testing. Allele origin: germline.

GeneDx
Classification: Likely benign. Last evaluated: 2020-08-03. Review status: criteria provided, single submitter. Criteria: GeneDx Variant Classification Process June 2021. Collection method: clinical testing. Allele origin: germline. Affected: yes.

Ambry Genetics
Classification: Likely benign for Inborn genetic diseases. Last evaluated: 2019-05-04. Review status: criteria provided, single submitter. Criteria: Ambry Variant Classification Scheme 2023. Collection method: clinical testing. Allele origin: germline.

NM_001170629.2(CHD8):c.5214C>T (p.Phe1738=)

Gene: CHD8 (chromodomain helicase DNA binding protein 8; minus strand). Cytogenetic location: 14q11.2.
Variant type: single nucleotide variant.
Coding change: c.5214C>T on transcript NM_001170629.2 (MANE Select); coding-DNA position 5214, C replaced by T.
Protein change: p.Phe1738=; no amino-acid change (phenylalanine 1738 retained).
Molecular consequence: synonymous variant.
Genome position (GRCh38, 1-based): chr14:21,395,088, G>A on the plus strand (C>T on the coding strand, the complement: CHD8 is on the minus strand). VCF-style: chr14-21395088-G-A. GRCh37 (hg19) VCF-style: chr14-21863247-G-A.
Other names: c.4377C>T, p.Phe1459= (NM_020920.4).
Identifiers: ClinVar variation 1199680 (VCV001199680.17), dbSNP rs532921100, ClinGen allele CA7091003.